The following is an entry in ClinVar:

NM_014975.3(MAST1):c.2048A>G (p.His683Arg)

Gene: MAST1 (microtubule associated serine/threonine kinase 1; plus strand). Cytogenetic location: 19p13.13.
Variant type: single nucleotide variant.
Coding change: c.2048A>G on transcript NM_014975.3 (MANE Select); coding-DNA position 2048, A replaced by G.
Protein change: p.His683Arg; replaces histidine 683 with arginine.
Molecular consequence: missense variant.
Genome position (GRCh38, 1-based): chr19:12,866,671, A>G. VCF-style: chr19-12866671-A-G. GRCh37 (hg19) VCF-style: chr19-12977485-A-G.
Other names: short protein forms H683R.
Identifiers: ClinVar variation 5023901 (VCV005023901.1).

ClinVar aggregate classification (germline): Uncertain significance (1 of 4 stars; one submission).

Conditions:
Inborn genetic diseases. Identifiers: MedGen C0950123, MeSH D030342.

gnomAD v4.1: 4 of 1,613,622 alleles (0.00025%); highest among the groups gnomAD compares: African/African-American, 0.0053%; no homozygotes.

Submission:

Ambry Genetics
Classification: Uncertain significance for Inborn genetic diseases. Last evaluated: 2026-07-29. Review status: criteria provided, single submitter. Criteria: Ambry Variant Classification Scheme 2023. Collection method: clinical testing. Allele origin: germline.
Comment: The c.2048A>G (p.H683R) alteration is located in exon 18 (coding exon 18) of the MAST1 gene. This alteration results from a A to G substitution at nucleotide position 2048, causing the histidine (H) at amino acid position 683 to be replaced by an arginine (R). Based on data from gnomAD, the G allele has an overall frequency of 0.003% (1/31378) total alleles studied. The highest observed frequency was 0.012% (1/8704) of African alleles. Based on insufficient or conflicting evidence, the clinical significance of this alteration remains unclear.